The following is an entry in ClinVar:

ClinVar aggregate classification (germline): Likely benign (0 of 4 stars; one submission).

Conditions:
ETV6-related disorder. Also called: ETV6-related condition.

Allele frequency attached by ClinVar (database versions not stated): ExAC 0.00001.
gnomAD v4.1: 1 of 1,613,640 alleles (0.000062%); highest among the groups gnomAD compares: Admixed American, 0.0017%; no homozygotes.

Submission:

PreventionGenetics, part of Exact Sciences
Classification: Likely benign for ETV6-related condition. Last evaluated: 2022-10-13. Review status: no assertion criteria provided. Collection method: clinical testing. Allele origin: germline.
Comment: This variant is classified as likely benign based on ACMG/AMP sequence variant interpretation guidelines (Richards et al. 2015 PMID: 25741868, with internal and published modifications).

NM_001987.5(ETV6):c.-7G>A

Gene: ETV6 (ETS variant transcription factor 6; plus strand). Cytogenetic location: 12p13.2.
Variant type: single nucleotide variant.
Coding change: c.-7G>A on transcript NM_001987.5 (MANE Select); 7 bases upstream of the start codon, G replaced by A.
Molecular consequence: 5 prime UTR variant.
Genome position (GRCh38, 1-based): chr12:11,650,121, G>A. VCF-style: chr12-11650121-G-A. GRCh37 (hg19) VCF-style: chr12-11803055-G-A.
Other names: c.-7G>A (NM_001413913.1, NM_001413916.1, NM_001413917.1 and 1 more transcripts); c.-159G>A (NM_001413914.1); c.-141G>A (NM_001413915.1).
Identifiers: ClinVar variation 3052712 (VCV003052712.2), dbSNP rs765078205, ClinGen allele CA6453984.
Genomic context (GRCh38, chr12:11,650,121, plus strand): 5'-TGGGTTGGGGAGAGGAAAGGAAAGTGGAAAAAACCTGAGAACTTCCTGATCTCTCTCGCT[G>A]TGAGACATGTCTGAGACTCCTGCTCAGTGTAGCATTAAGGTAAAAATCTTCTCCCCTCCT-3'